The following is an entry in ClinVar:

ClinVar aggregate classification (germline): Uncertain significance. Review status: criteria provided, multiple submitters, no conflicts (2 of 4 stars). 2 submissions from 2 submitters: Uncertain significance (2). Last evaluated 2025-06-14.

Conditions:
Inborn genetic diseases. Identifiers: MedGen C0950123, MeSH D030342.
Mosaic variegated aneuploidy syndrome 1 (MVA1). Also called: Warburton-Anyane-Yeboa syndrome. Identifiers: Orphanet 1052, MedGen C1850343, MONDO:0009759, OMIM 257300.

Allele frequency attached by ClinVar (database versions not stated): ExAC 0.00001; gnomAD 0.00001; TOPMed 0.00001.
gnomAD v4.1: 6 of 1,614,080 alleles (0.00037%); highest among the groups gnomAD compares: Non-Finnish European, 0.00042%; no homozygotes.

Submissions (2):

Ambry Genetics
Classification: Uncertain significance for Inborn genetic diseases. Last evaluated: 2025-06-14. Review status: criteria provided, single submitter. Criteria: Ambry Variant Classification Scheme 2023. Collection method: clinical testing. Allele origin: germline.
Comment: The p.T327K variant (also known as c.980C>A), located in coding exon 8 of the BUB1B gene, results from a C to A substitution at nucleotide position 980. The threonine at codon 327 is replaced by lysine, an amino acid with similar properties. This amino acid position is conserved. In addition, this alteration is predicted to be tolerated by in silico analysis. Since supporting evidence is limited at this time, the clinical significance of this alteration remains unclear.

Labcorp Genetics (formerly Invitae), Labcorp
Classification: Uncertain significance for Mosaic variegated aneuploidy syndrome 1. Last evaluated: 2023-10-19. Review status: criteria provided, single submitter. Criteria: Invitae Variant Classification Sherloc (09022015). Collection method: clinical testing. Allele origin: germline.
Comment: This sequence change replaces threonine, which is neutral and polar, with lysine, which is basic and polar, at codon 327 of the BUB1B protein (p.Thr327Lys). This variant is present in population databases (rs746389101, gnomAD 0.0009%). This variant has not been reported in the literature in individuals affected with BUB1B-related conditions. ClinVar contains an entry for this variant (Variation ID: 1768277). An algorithm developed to predict the effect of missense changes on protein structure and function (PolyPhen-2) suggests that this variant is likely to be tolerated. In summary, the available evidence is currently insufficient to determine the role of this variant in disease. Therefore, it has been classified as a Variant of Uncertain Significance.

NM_001211.6(BUB1B):c.980C>A (p.Thr327Lys)

Gene: BUB1B (BUB1 mitotic checkpoint serine/threonine kinase B; plus strand). Cytogenetic location: 15q15.1.
Variant type: single nucleotide variant.
Coding change: c.980C>A on transcript NM_001211.6 (MANE Select); coding-DNA position 980, C replaced by A.
Protein change: p.Thr327Lys; replaces threonine 327 with lysine.
Molecular consequence: missense variant.
Genome position (GRCh38, 1-based): chr15:40,185,564, C>A. VCF-style: chr15-40185564-C-A. GRCh37 (hg19) VCF-style: chr15-40477765-C-A.
Other names: short protein forms T327K.
Identifiers: ClinVar variation 1768277 (VCV001768277.6), dbSNP rs746389101, ClinGen allele CA7475623.